The following is an entry in ClinVar:

ClinVar aggregate classification (germline): Uncertain significance (1 of 4 stars; one submission).

Submission:

Labcorp Genetics (formerly Invitae), Labcorp
Classification: Uncertain significance. Last evaluated: 2022-03-23. Review status: criteria provided, single submitter. Criteria: Invitae Variant Classification Sherloc (09022015). Collection method: clinical testing. Allele origin: germline.
Comment: In summary, the available evidence is currently insufficient to determine the role of this variant in disease. Therefore, it has been classified as a Variant of Uncertain Significance. Algorithms developed to predict the effect of missense changes on protein structure and function (SIFT, PolyPhen-2, Align-GVGD) all suggest that this variant is likely to be disruptive. This variant has not been reported in the literature in individuals affected with DCX-related conditions. This variant is not present in population databases (gnomAD no frequency). This sequence change replaces valine, which is neutral and non-polar, with aspartic acid, which is acidic and polar, at codon 182 of the DCX protein (p.Val182Asp).

NM_001195553.2(DCX):c.545T>A (p.Val182Asp)

Gene: DCX (doublecortin; minus strand). Cytogenetic location: Xq23.
Variant type: single nucleotide variant.
Coding change: c.545T>A on transcript NM_001195553.2 (MANE Select); coding-DNA position 545, T replaced by A.
Protein change: p.Val182Asp; replaces valine 182 with aspartic acid.
Molecular consequence: missense variant.
Genome position (GRCh38, 1-based): chrX:111,401,150, A>T on the plus strand (T>A on the coding strand, the complement: DCX is on the minus strand). VCF-style: chrX-111401150-A-T. GRCh37 (hg19) VCF-style: chrX-110644378-A-T.
Other names: c.545T>A, p.Val182Asp (NM_001369370.1, NM_001369371.1, NM_001369372.1 and 6 more transcripts); c.788T>A, p.Val263Asp (NM_000555.3); short protein forms V182D, V263D.
Identifiers: ClinVar variation 2116258 (VCV002116258.4), dbSNP rs2524835459, ClinGen allele CA414246128.